The following is an entry in ClinVar:

ClinVar aggregate classification (germline): Uncertain significance (1 of 4 stars; one submission).

Submission:

Labcorp Genetics (formerly Invitae), Labcorp
Classification: Uncertain significance. Last evaluated: 2022-04-11. Review status: criteria provided, single submitter. Criteria: Invitae Variant Classification Sherloc (09022015). Collection method: clinical testing. Allele origin: germline.
Comment: In summary, the available evidence is currently insufficient to determine the role of this variant in disease. Therefore, it has been classified as a Variant of Uncertain Significance. Experimental studies and prediction algorithms are not available or were not evaluated, and the functional significance of this variant is currently unknown. This variant has not been reported in the literature in individuals affected with DENND5A-related conditions. This variant is not present in population databases (gnomAD no frequency). This sequence change creates a premature translational stop signal (p.Leu1221Alafs*20) in the DENND5A gene. While this is not anticipated to result in nonsense mediated decay, it is expected to disrupt the last 67 amino acid(s) of the DENND5A protein.

NM_015213.4(DENND5A):c.3660dup (p.Leu1221fs)

Gene: DENND5A (DENN domain containing 5A; minus strand). Cytogenetic location: 11p15.4.
Variant type: Duplication.
Coding change: c.3660dup on transcript NM_015213.4 (MANE Select); coding-DNA position 3660, one base duplicated (G; older notation c.3660dupG).
Protein change: p.Leu1221fs; shifts the reading frame from leucine 1221.
Molecular consequence: frameshift variant. On other transcripts: non-coding transcript variant (1), intron variant (1).
Genome position (GRCh38, 1-based): chr11:9,141,960, C duplicated on the plus strand (G on the coding strand, the reverse complement: DENND5A is on the minus strand). VCF-style (leftmost placement, unchanged base first): chr11-9141959-G-GC. GRCh37 (hg19) VCF-style: chr11-9163506-G-GC.
Other names: c.3660dup, p.Leu1221Alafs (NM_001348748.1); c.3588dup, p.Leu1197fs (NM_001348749.2); c.3372dup, p.Leu1125fs (NM_001348750.2); c.3646+14dup (NM_001243254.2); short protein forms L1125fs, L1197fs, L1221fs.
Identifiers: ClinVar variation 2124707 (VCV002124707.4), dbSNP rs2542220184, ClinGen allele CA2580084038.